The following is an entry in ClinVar:

NM_020975.6(RET):c.1597G>A (p.Gly533Ser)

Gene: RET (ret proto-oncogene; plus strand). Cytogenetic location: 10q11.21.
Variant type: single nucleotide variant.
Coding change: c.1597G>A on transcript NM_020975.6 (MANE Select); coding-DNA position 1597, G replaced by A.
Protein change: p.Gly533Ser; replaces glycine 533 with serine.
Molecular consequence: missense variant.
Genome position (GRCh38, 1-based): chr10:43,112,173, G>A. VCF-style: chr10-43112173-G-A. GRCh37 (hg19) VCF-style: chr10-43607621-G-A.
Other names: p.Gly533Ser; c.1597G>A, p.Gly533Ser (NM_000323.2, NM_001406743.1, NM_001406744.1 and 6 more transcripts); c.835G>A, p.Gly279Ser (NM_001355216.2); c.1468G>A, p.Gly490Ser (NM_001406761.1, NM_001406762.1, NM_001406764.1 and 1 more transcripts); c.1309G>A, p.Gly437Ser (NM_001406766.1, NM_001406767.1, NM_001406770.1); c.1201G>A, p.Gly401Ser (NM_001406769.1, NM_001406772.1); c.1159G>A, p.Gly387Ser (NM_001406771.1, NM_001406773.1); c.1072G>A, p.Gly358Ser (NM_001406774.1); and 7 more; short protein forms G279S, G291S, G358S, G401S, G191S, G437S, G138S, G50S.
Identifiers: ClinVar variation 24887 (VCV000024887.31), dbSNP rs75873440, ClinGen allele CA007667.

ClinVar aggregate classification (germline): Conflicting classifications of pathogenicity. Review status: criteria provided, conflicting classifications (1 of 4 stars). 17 submissions from 13 submitters: Uncertain significance (13); Likely benign (2). 2 of the submissions do not count toward it. Last evaluated 2026-05-29.

Conditions:
Multiple endocrine neoplasia type 2A. Also called: MULTIPLE ENDOCRINE NEOPLASIA, TYPE IIA; PTC SYNDROME; SIPPLE SYNDROME; MEN 2A; MEN-2A syndrome; Pheochromocytoma and amyloid producing medullary thyroid carcinoma. Identifiers: Orphanet 247698, Orphanet 653, MedGen C0025268, MeSH D018813, MONDO:0008234, OMIM 171400.
Pheochromocytoma. Also called: MAX-Related Hereditary Paraganglioma-Pheochromocytoma Syndrome. Identifiers: Orphanet 29072, MedGen C0031511, MONDO:0008233, OMIM 171300, HP:0002666.
Familial medullary thyroid carcinoma (MTC). Also called: Thyroid cancer, familial medullary; MTC, familial; Familial Medullary Thyroid Carcinoma (FMTC). Identifiers: Orphanet 653, Orphanet 99361, MedGen C1833921, MONDO:0007958, OMIM 155240.
Multiple endocrine neoplasia type 2B. Also called: MEN 2B; Multiple endocrine neoplasia, type 3; MULTIPLE ENDOCRINE NEOPLASIA, TYPE IIB; MUCOSAL NEUROMA SYNDROME; NEUROMATA, MUCOSAL, WITH ENDOCRINE TUMORS; WAGENMANN-FROBOESE SYNDROME. Identifiers: Orphanet 247709, Orphanet 653, MedGen C0025269, MeSH D018814, MONDO:0008082, OMIM 162300.
Hirschsprung disease, susceptibility to, 1 (HSCR1). Also called: RET-Related Hirschsprung Disease. Identifiers: Orphanet 388, MedGen C3888239, MONDO:0007723, OMIM 142623.
RET-related disorder. Also called: RET-related condition; RET-related disease; RET-related disorders.
Multiple endocrine neoplasia. Identifiers: Orphanet 276161, MedGen C0027662, MONDO:0017169.
Hereditary cancer-predisposing syndrome. Also called: Neoplastic Syndromes, Hereditary; Tumor predisposition; Hereditary neoplastic syndrome; Hereditary Cancer Syndrome. Identifiers: Orphanet 140162, MedGen C0027672, MeSH D009386, MONDO:0015356.
Multiple endocrine neoplasia, type 2 (MEN2). Identifiers: Orphanet 653, MedGen C4048306, MONDO:0019003. Disease mechanism: gain of function.
Renal hypodysplasia/aplasia 1 (RHDA1). Also called: RENAL APLASIA; HEREDITARY RENAL APLASIA. Identifiers: Orphanet 411709, MedGen C1619700, MONDO:0024519, OMIM 191830.

Allele frequency attached by ClinVar (database versions not stated): gnomAD exomes 0.00002 and 0.00004; TOPMed 0.00003; gnomAD 0.00008 and 0.00006; ExAC 0.00009; 1000 Genomes Project 0.00020; 1000 Genomes Project 30x 0.00016.
gnomAD v4.1: 56 of 1,574,978 alleles (0.0036%); highest among the groups gnomAD compares: East Asian, 0.019%; no homozygotes.

Submissions 1 to 8 of 17:

PreventionGenetics, part of Exact Sciences
Classification: Uncertain significance for RET-related condition. Last evaluated: 2026-05-29. Review status: criteria provided, single submitter. Criteria: ACMG Guidelines, 2015. Collection method: clinical testing. Allele origin: germline.
Comment: The RET c.1597G>A variant is predicted to result in the amino acid substitution p.Gly533Ser. This variant has been reported in at least two patients with Hirschsprung disease (Ngo et al. 2012. PubMed ID: 23084198, Widowati et al. 2016. PubMed ID: 26395553), one individual with a pheochromocytoma or paraganglioma (Buffet et al. 2012. PubMed ID 22517557), and one individual with unilateral vesico-ureteric junction obstruction (Narikot et al. 2022. PubMed ID: 34979951). This variant is reported in 0.029% of alleles in individuals of East Asian descent in gnomAD and has conflicting interpretations regarding its pathogenicity in ClinVar, ranging from likely benign to uncertain (Variation ID: 24887). At this time, the clinical significance of this variant is uncertain due to the absence of conclusive functional and genetic evidence.

Labcorp Genetics (formerly Invitae), Labcorp
Classification: Uncertain significance for Multiple endocrine neoplasia, type 2. Last evaluated: 2026-01-23. Review status: criteria provided, single submitter. Criteria: Invitae Variant Classification Sherloc (09022015). Collection method: clinical testing. Allele origin: germline.
Comment: This sequence change replaces glycine, which is neutral and non-polar, with serine, which is neutral and polar, at codon 533 of the RET protein (p.Gly533Ser). The frequency data for this variant in the population databases is considered unreliable, as metrics indicate poor data quality at this position in the gnomAD database. This missense change has been observed in individual(s) with Hirschsprung disease (PMID: 22517557, 23084198, 26395553). ClinVar contains an entry for this variant (Variation ID: 24887). An algorithm developed to predict the effect of missense changes on protein structure and function (PolyPhen-2) suggests that this variant is likely to be disruptive. Experimental studies have shown that this missense change does not substantially affect RET function (PMID: 26395553). This variant disrupts the p.Gly533 amino acid residue in RET. Other variant(s) that disrupt this residue have been determined to be pathogenic (PMID: 14602786, 16649977, 18805915, 22676047, 23461807). This suggests that this residue is clinically significant, and that variants that disrupt this residue are likely to be disease-causing. In summary, the available evidence is currently insufficient to determine the role of this variant in disease. Therefore, it has been classified as a Variant of Uncertain Significance.

Myriad Genetics, Inc.
Classification: Likely benign for Multiple endocrine neoplasia type 2A. Last evaluated: 2024-08-09. Review status: criteria provided, single submitter. Criteria: Myriad Autosomal Dominant, Autosomal Recessive and X-Linked Classification Criteria (2023). Collection method: clinical testing. Allele origin: unknown.
Comment: This variant is considered likely benign. This variant has been observed at a population frequency that is significantly greater than expected given the associated disease prevalence and penetrance.

Mayo Clinic Laboratories, Mayo Clinic
Classification: Uncertain significance. Last evaluated: 2024-07-16. Review status: criteria provided, single submitter. Criteria: ACMG Guidelines, 2015. Collection method: clinical testing. Allele origin: germline. Observed: 1 variant allele.
Comment: PP3, PM5

Color Diagnostics, LLC DBA Color Health
Classification: Uncertain significance for Multiple endocrine neoplasia, type 2. Last evaluated: 2024-04-09. Review status: criteria provided, single submitter. Criteria: ACMG Guidelines, 2015. Collection method: clinical testing. Allele origin: germline.
Comment: This missense variant replaces glycine with serine at codon 533 of the RET protein. Computational prediction suggests that this variant may have deleterious impact on protein structure and function. A functional study reported that this variant does not impact RET function in RET and ERK phosphorylation (PMID: 2639553). This variant has been reported in at least one individual affected with paraganglioma or pheochromocytoma (PMID: 22517557). A different missense mutation at this codon, c.1597G>T (p.Gly533Cys), is reported as disease-causing in ClinVar (Variation ID: 13950). This variant has been identified in 8/183154 chromosomes in the general population by the Genome Aggregation Database (gnomAD). The available evidence is insufficient to determine the role of this variant in disease conclusively. Therefore, this variant is classified as a Variant of Uncertain Significance.

Baylor Genetics
Classification: Uncertain significance for Hirschsprung disease, susceptibility to, 1. Last evaluated: 2024-02-20. Review status: criteria provided, single submitter. Criteria: ACMG Guidelines, 2015. Collection method: clinical testing. Allele origin: unknown.

All of Us Research Program, National Institutes of Health
Classification: Uncertain significance for Multiple endocrine neoplasia, type 2. Last evaluated: 2024-01-11. Review status: criteria provided, single submitter. Criteria: ACMG Guidelines, 2015. Collection method: clinical testing. Allele origin: germline. Inheritance: Autosomal dominant inheritance. Observed: 9 variant alleles, 9 heterozygotes.
Comment: This missense variant replaces glycine with serine at codon 533 of the RET protein. Computational prediction suggests that this variant may have deleterious impact on protein structure and function (internally defined REVEL score threshold >= 0.7, PMID: 27666373). Functional studies have shown that this variant does not appear to result in increased RET phosphorylation (PMID: 26395553). To our knowledge, this variant has not been reported in individuals affected with MEN2A syndrome but has been reported in individuals affected with paraganglioma/pheochromocytoma (PMID: 22517557), or Hirschsprung disease (PMID: 17009072, 23084198, 26395553). This variant has been identified in 8/183154 chromosomes in the general population by the Genome Aggregation Database (gnomAD). The available evidence is insufficient to determine the role of this variant in disease conclusively. Therefore, this variant is classified as a Variant of Uncertain Significance.

This study involves interpretation of variants in research participants for the purpose of population health screening. Participant phenotype was not available at the time of variant classification. Additional details can be found in publication PMID: 35346344, PMCID: PMC8962531

St. Jude Molecular Pathology, St. Jude Children's Research Hospital
Classification: Uncertain significance for Multiple endocrine neoplasia type 2A. Last evaluated: 2023-02-07. Review status: criteria provided, single submitter. Criteria: St. Jude Assertion Criteria 2020. Collection method: clinical testing. Allele origin: germline.
Comment: The RET c.1597G>A (p.Gly533Ser) missense change has a maximum subpopulation frequency of 0.029% in gnomAD v2.1.1. The in silico tool REVEL predicts a deleterious effect on protein function, however functional studies performed on cell lines suggest that this variant does not affect RET function (PMID: 26395553). This variant has been reported in individuals with Hirshsprung disease (PMID: 17009072, 23084198, 26395553), hyperparathyroid disease (PMID: 32761341), and an individual with congenital anomalies of the kidney and urinary tract (PMID: 34979951). Other variant(s) that disrupt the p.Gly533 residue have been determined to be pathogenic (PMID: 14602786, 16649977, 22676047, 23461807). In summary, the evidence currently available is insufficient to determine the clinical significance of this variant. It has therefore been classified as of uncertain significance.